The following is an entry in ClinVar:

ClinVar aggregate classification (germline): Benign. Review status: criteria provided, multiple submitters, no conflicts (2 of 4 stars). 3 submissions from 3 submitters: Benign (3). Last evaluated 2023-11-12.

Allele frequency attached by ClinVar (database versions not stated): gnomAD exomes 0.24394; gnomAD 0.30383 and 0.30524; TOPMed 0.30642; 1000 Genomes Project 30x 0.32042; 1000 Genomes Project 0.32668.
gnomAD v4.1: 396,770 of 1,586,192 alleles (25%); highest among the groups gnomAD compares: African/African-American, 48%; 53,302 homozygotes.

Submissions (3):

Unidad de Genómica Garrahan, Hospital de Pediatría Garrahan
Classification: Benign. Last evaluated: 2023-11-12. Review status: criteria provided, single submitter. Criteria: ACMG Guidelines, 2015. Collection method: clinical testing. Allele origin: germline. Affected: no. Observed: 34 variant alleles.
Comment: This variant is classified as Benign based on local population frequency. This variant was detected in 35% of patients studied by a panel of primary immunodeficiencies. Number of patients: 34. Only high quality variants are reported.

GeneDx
Classification: Benign. Last evaluated: 2018-11-27. Review status: criteria provided, single submitter. Criteria: GeneDx Variant Classification Process June 2021. Collection method: clinical testing. Allele origin: germline. Affected: yes.

Breakthrough Genomics
Classification: Benign. Review status: criteria provided, single submitter. Criteria: ACMG Guidelines, 2015. Collection method: not provided. Allele origin: germline. Inheritance: Autosomal recessive inheritance. Affected: yes.

NM_001261826.3(AP3D1):c.3472+66A>G

Gene: AP3D1 (adaptor related protein complex 3 subunit delta 1; minus strand). Cytogenetic location: 19p13.3.
Variant type: single nucleotide variant.
Coding change: c.3472+66A>G on transcript NM_001261826.3 (MANE Select); 66 bases into the intron after coding-DNA position 3472, A replaced by G.
Molecular consequence: intron variant.
Genome position (GRCh38, 1-based): chr19:2,109,020, T>C on the plus strand (A>G on the coding strand, the complement: AP3D1 is on the minus strand). VCF-style: chr19-2109020-T-C. GRCh37 (hg19) VCF-style: chr19-2109019-T-C.
Other names: c.3286+66A>G (NM_003938.8); c.3436+66A>G (NM_001374799.1).
Identifiers: ClinVar variation 1275030 (VCV001275030.4), dbSNP rs2072306, ClinGen allele CA14651169.